The following is an entry in ClinVar:

ClinVar aggregate classification (germline): Conflicting classifications of pathogenicity. Review status: criteria provided, conflicting classifications (1 of 4 stars). 14 submissions from 14 submitters: Uncertain significance (1); Benign (4); Likely benign (5). 4 of the submissions do not count toward it. Last evaluated 2026-08-01.

Conditions:
FANCI-related disorder. Also called: FANCI-related condition.
Hereditary cancer-predisposing syndrome. Also called: Neoplastic Syndromes, Hereditary; Tumor predisposition; Hereditary Cancer Syndrome; Hereditary neoplastic syndrome. Identifiers: Orphanet 140162, MedGen C0027672, MeSH D009386, MONDO:0015356.
Fanconi anemia (FA). Also called: Fanconi's anemia. Identifiers: Orphanet 84, MedGen C0015625, MeSH D005199, MONDO:0019391.
Fanconi anemia complementation group I (FANCI). Also called: FANCI-Related Fanconi Anemia. Identifiers: Orphanet 84, MedGen C1836861, MONDO:0012186, OMIM 609053.

Allele frequency attached by ClinVar (database versions not stated): 1000 Genomes Project 30x 0.00094; 1000 Genomes Project 0.00100; gnomAD 0.00155 and 0.00159; ExAC 0.00183; TOPMed 0.00186; gnomAD exomes 0.00210.
gnomAD v4.1: 2,761 of 1,552,344 alleles (0.18%); highest among the groups gnomAD compares: Middle Eastern, 2%; 10 homozygotes.

Submissions (14):

CeGaT Center for Human Genetics Tuebingen
Classification: Likely benign. Last evaluated: 2026-08-01. Review status: criteria provided, single submitter. Criteria: CeGaT Center For Human Genetics Tuebingen Variant Classification Criteria Version 2. Collection method: clinical testing. Allele origin: germline. Affected: yes. Observed: 56 variant alleles.
Comment: FANCI: BP4, BP7

Labcorp Genetics (formerly Invitae), Labcorp
Classification: Benign for Fanconi anemia. Last evaluated: 2026-01-28. Review status: criteria provided, single submitter. Criteria: Invitae Variant Classification Sherloc (09022015). Collection method: clinical testing. Allele origin: germline.

Mayo Clinic Laboratories, Mayo Clinic
Classification: Likely benign. Last evaluated: 2025-10-17. Review status: criteria provided, single submitter. Criteria: ACMG Guidelines, 2015. Collection method: clinical testing. Allele origin: germline. Observed: 1 variant allele.
Comment: BP4, BP7

Blueprint Genetics
Classification: Likely benign. Last evaluated: 2024-11-27. Review status: criteria provided, single submitter. Criteria: ACMG Guidelines, 2015. Collection method: clinical testing. Allele origin: germline.

Molecular Diagnostics Laboratory, Catalan Institute of Oncology
Classification: Likely benign for Hereditary cancer-predisposing syndrome. Last evaluated: 2024-09-17. Review status: criteria provided, single submitter. Criteria: ACMG Guidelines, 2015. Collection method: clinical testing. Allele origin: germline.
Comment: BP4, BP7 c.2487T>G located in exon 24 of the FANCI gene is predicted to result in no amino acid change, p.(Leu829=)(BP7).This variant is found in 183/73958, with a filter allele frequency of 0.25% at 99% confidence in the gnomAD v2.1.1 database (European non-Finnish non-cancer data set). The SpliceAI algorithm predicts no significant impact on splicing (BP4). In addition, the variant was also identified in the ClinVar database (3x benign, 6x likely benign, 1x uncertain significance). To our knowledge, neither clinical data nor functional studies have been reported for this variant. Based on currently available information, the variant c.2487T>G is classified as a likely benign variant according to ACMG guidelines.

ARUP Laboratories, Molecular Genetics and Genomics, ARUP Laboratories
Classification: Benign for Fanconi anemia complementation group I. Last evaluated: 2024-03-18. Review status: criteria provided, single submitter. Criteria: ARUP Molecular Germline Variant Investigation Process 2024. Collection method: clinical testing. Allele origin: germline.

KCCC/NGS Laboratory, Kuwait Cancer Control Center
Classification: Benign for Fanconi anemia complementation group I. Last evaluated: 2023-07-07. Review status: criteria provided, single submitter. Criteria: ACMG Guidelines, 2015. Collection method: clinical testing. Allele origin: germline. Affected: yes.

Sema4
Classification: Likely benign for Fanconi anemia. Last evaluated: 2021-06-30. Review status: criteria provided, single submitter. Criteria: Sema4 Curation Guidelines. Collection method: curation. Allele origin: germline.

Genetic Services Laboratory, University of Chicago
Classification: Benign. Last evaluated: 2021-05-26. Review status: criteria provided, single submitter. Criteria: ACMG Guidelines, 2015. Collection method: clinical testing. Allele origin: germline. Affected: no.

Illumina Laboratory Services, Illumina
Classification: Uncertain significance for Fanconi anemia complementation group I. Last evaluated: 2018-01-12. Review status: criteria provided, single submitter. Criteria: ICSL Variant Classification Criteria 13 December 2019. Collection method: clinical testing. Allele origin: germline.

PreventionGenetics, part of Exact Sciences
Classification: Likely benign for FANCI-related condition. Last evaluated: 2020-02-17. Review status: no assertion criteria provided. Collection method: clinical testing. Allele origin: germline. Not counted in ClinVar's aggregate classification.
Comment: This variant is classified as likely benign based on ACMG/AMP sequence variant interpretation guidelines (Richards et al. 2015 PMID: 25741868, with internal and published modifications).

Genome Diagnostics Laboratory, Amsterdam University Medical Center
Classification: Likely benign. Review status: no assertion criteria provided. Collection method: clinical testing. Allele origin: germline. Affected: yes. Study: VKGL Data-share Consensus. Not counted in ClinVar's aggregate classification.

Genome Diagnostics Laboratory, University Medical Center Utrecht
Classification: Likely benign. Review status: no assertion criteria provided. Collection method: clinical testing. Allele origin: germline. Affected: yes. Study: VKGL Data-share Consensus. Not counted in ClinVar's aggregate classification.

Laboratory of Diagnostic Genome Analysis, Leiden University Medical Center (LUMC)
Classification: Likely benign. Review status: no assertion criteria provided. Collection method: clinical testing. Allele origin: germline. Affected: yes. Study: VKGL Data-share Consensus. Not counted in ClinVar's aggregate classification.

NM_001113378.2(FANCI):c.2487T>G (p.Leu829=)

Gene: FANCI (FA complementation group I; plus strand). Cytogenetic location: 15q26.1.
Variant type: single nucleotide variant.
Coding change: c.2487T>G on transcript NM_001113378.2 (MANE Select); coding-DNA position 2487, T replaced by G.
Protein change: p.Leu829=; no amino-acid change (leucine 829 retained).
Molecular consequence: synonymous variant. On other transcripts: intron variant (1).
Genome position (GRCh38, 1-based): chr15:89,294,945, T>G. VCF-style: chr15-89294945-T-G. GRCh37 (hg19) VCF-style: chr15-89838176-T-G.
Other names: p.Leu829=; c.2208T>G, p.Leu736= (NM_001376910.1); c.2487T>G, p.Leu829= (NM_001376911.1); c.2456+948T>G (NM_018193.3).
Identifiers: ClinVar variation 210986 (VCV000210986.63), dbSNP rs145762491, ClinGen allele CA207035.